The following is an entry in ClinVar:

ClinVar aggregate classification (germline): Uncertain significance (1 of 4 stars; one submission).

Conditions:
Desmin-related myofibrillar myopathy (MFM1). Also called: MYOFIBRILLAR MYOPATHY WITH ARRHYTHMOGENIC RIGHT VENTRICULAR CARDIOMYOPATHY; DESMIN-RELATED MYOPATHY WITH ARRHYTHMOGENIC RIGHT VENTRICULAR CARDIOMYOPATHY; Myofibrillar myopathy 1; Desminopathy; Desmin related myopathy (former name); Desmin storage myopathy (former name). Identifiers: Orphanet 363543, Orphanet 98909, MedGen C1832370, MONDO:0011076, OMIM 601419.

Submission:

Labcorp Genetics (formerly Invitae), Labcorp
Classification: Uncertain significance for Desmin-related myofibrillar myopathy. Last evaluated: 2022-06-08. Review status: criteria provided, single submitter. Criteria: Invitae Variant Classification Sherloc (09022015). Collection method: clinical testing. Allele origin: germline.
Comment: This sequence change replaces glutamine, which is neutral and polar, with histidine, which is basic and polar, at codon 188 of the DES protein (p.Gln188His). This variant is not present in population databases (gnomAD no frequency). This variant has not been reported in the literature in individuals affected with DES-related conditions. Algorithms developed to predict the effect of missense changes on protein structure and function (SIFT, PolyPhen-2, Align-GVGD) all suggest that this variant is likely to be tolerated. In summary, the available evidence is currently insufficient to determine the role of this variant in disease. Therefore, it has been classified as a Variant of Uncertain Significance.

NM_001927.4(DES):c.564G>T (p.Gln188His)

Gene: DES (desmin; plus strand). Cytogenetic location: 2q35.
Variant type: single nucleotide variant.
Coding change: c.564G>T on transcript NM_001927.4 (MANE Select); coding-DNA position 564, G replaced by T.
Protein change: p.Gln188His; replaces glutamine 188 with histidine.
Molecular consequence: missense variant. On other transcripts: intron variant (1).
Genome position (GRCh38, 1-based): chr2:219,419,026, G>T. VCF-style: chr2-219419026-G-T. GRCh37 (hg19) VCF-style: chr2-220283748-G-T.
Other names: c.564G>T, p.Gln188His (NM_001382708.1, NM_001382709.1, NM_001382710.1 and 2 more transcripts); c.495+69G>T (NM_001382713.1); short protein forms Q188H.
Identifiers: ClinVar variation 2079657 (VCV002079657.4), dbSNP rs1323650172, ClinGen allele CA350687146.